The following is an entry in ClinVar:

NM_001042492.3(NF1):c.246_247del (p.Gln83fs)

Gene: NF1 (neurofibromin 1; plus strand). Cytogenetic location: 17q11.2.
Variant type: Microsatellite.
Coding change: c.246_247del on transcript NM_001042492.3 (MANE Select); coding-DNA positions 246 to 247, 2 bases deleted (TC; older notation c.246_247delTC).
Protein change: p.Gln83fs; shifts the reading frame from glutamine 83.
Molecular consequence: frameshift variant.
Genome position (GRCh38, 1-based): chr17:31,159,051-31,159,052, TC deleted; deleting any 2 consecutive bases within chr17:31,159,045-31,159,052 gives the same sequence; the c. name uses the placement nearest the transcript's 3' end. VCF-style (leftmost placement, unchanged base first): chr17-31159044-ATC-A. GRCh37 (hg19) VCF-style: chr17-29486062-ATC-A.
Other names: c.246_247delTC (NM_000267.3); c.240_241TC[3], p.Gln83Valfs (NM_000267.4); c.246_247del, p.Gln83fs (NM_001128147.3); short protein forms Q83fs.
Identifiers: ClinVar variation 527470 (VCV000527470.13), dbSNP rs771115661, ClinGen allele CA8485507.

ClinVar aggregate classification (germline): Pathogenic. Review status: criteria provided, multiple submitters, no conflicts (2 of 4 stars). 5 submissions from 5 submitters: Pathogenic (5). Last evaluated 2025-08-21.

Conditions:
Cardiovascular phenotype. Identifiers: MedGen CN230736.
Hereditary cancer-predisposing syndrome. Also called: Neoplastic Syndromes, Hereditary; Tumor predisposition; Hereditary neoplastic syndrome; Hereditary Cancer Syndrome. Identifiers: Orphanet 140162, MedGen C0027672, MeSH D009386, MONDO:0015356.
Neurofibromatosis, type 1 (NF1). Also called: VON RECKLINGHAUSEN DISEASE; NEUROFIBROMATOSIS, TYPE I, SOMATIC; Peripheral type neurofibromatosis; Neurofibromatosis, type I. Identifiers: Orphanet 636, MedGen C0027831, MONDO:0018975, OMIM 162200. Disease mechanism: loss of function.

Submissions (5):

Ambry Genetics
Classification: Pathogenic for Cardiovascular phenotype; Hereditary cancer-predisposing syndrome. Last evaluated: 2025-08-21. Review status: criteria provided, single submitter. Criteria: Ambry Variant Classification Scheme 2023. Collection method: clinical testing. Allele origin: germline.
Comment: The c.246_247delTC pathogenic mutation, located in coding exon 3 of the NF1 gene, results from a deletion of two nucleotides at nucleotide positions 246 to 247, causing a translational frameshift with a predicted alternate stop codon (p.Q83Vfs*23). This alteration was identified in two separate cohorts undergoing genetic testing due to a diagnosis or clinical suspicion of neurofibromatosis type 1 (Pros E et al. Hum Mutat, 2008 Sep;29:E173-93; Bolcekova A et al. Neoplasma, 2013;60:655-65). In addition to the clinical data presented in the literature, this alteration is expected to result in loss of function by premature protein truncation or nonsense-mediated mRNA decay. As such, this alteration is interpreted as a disease-causing mutation.

Labcorp Genetics (formerly Invitae), Labcorp
Classification: Pathogenic for Neurofibromatosis, type 1. Last evaluated: 2025-07-19. Review status: criteria provided, single submitter. Criteria: Invitae Variant Classification Sherloc (09022015). Collection method: clinical testing. Allele origin: germline.
Comment: This sequence change creates a premature translational stop signal (p.Gln83Valfs*23) in the NF1 gene. It is expected to result in an absent or disrupted protein product. Loss-of-function variants in NF1 are known to be pathogenic (PMID: 10712197, 23913538). This variant is present in population databases (rs771115661, gnomAD 0.007%). This premature translational stop signal has been observed in individual(s) with neurofibromatosis type 1 (PMID: 16944272, 18546366, 23758643). Invitae Evidence Modeling of clinical and family history, age, sex, and reported ancestry of multiple individuals with this NF1 variant has been performed. This variant is expected to be pathogenic with a positive predictive value of at least 99%. This is a validated machine learning model that incorporates the clinical features of 1,785,918 individuals referred to our laboratory for NF1 testing. This variant is also known as c.240_241delTC. ClinVar contains an entry for this variant (Variation ID: 527470). Studies have shown that this premature translational stop signal alters NF1 gene expression (PMID: 25788518). For these reasons, this variant has been classified as Pathogenic.

GeneDx
Classification: Pathogenic. Last evaluated: 2024-10-01. Review status: criteria provided, single submitter. Criteria: GeneDx Variant Classification Process June 2021. Collection method: clinical testing. Allele origin: germline. Affected: yes.
Comment: Observed in multiple unrelated patients with clinically diagnosed or suspected neurofibromatosis type 1 referred for genetic testing at GeneDx and in published literature (PMID: 16944272, 18546366, 23758643); Published functional studies demonstrate a damaging effect: decreased neurofibromin expression (PMID: 25788518); Frameshift variant predicted to result in protein truncation or nonsense mediated decay in a gene for which loss of function is a known mechanism of disease; Also known as c.240_241delTC; This variant is associated with the following publications: (PMID: 16944272, 18546366, 23906300, 29922827, 25788518, 23758643)

Genome-Nilou Lab
Classification: Pathogenic for Neurofibromatosis, type 1. Last evaluated: 2022-03-15. Review status: criteria provided, single submitter. Criteria: ACMG Guidelines, 2015. Collection method: clinical testing. Allele origin: germline. Affected: no.

Center for Human Genetics, Inc
Classification: Pathogenic for Neurofibromatosis, type 1. Last evaluated: 2016-11-01. Review status: criteria provided, single submitter. Criteria: ACMG Guidelines, 2015. Collection method: clinical testing. Allele origin: germline. Affected: yes.

Literature cited by the submitters: PubMed 18546366 (cited by Ambry Genetics and Labcorp Genetics (formerly Invitae), Labcorp); PubMed 23906300 (cited by Ambry Genetics); PubMed 10712197 (cited by Labcorp Genetics (formerly Invitae), Labcorp); PubMed 23913538 (cited by Labcorp Genetics (formerly Invitae), Labcorp); PubMed 16944272 (cited by Labcorp Genetics (formerly Invitae), Labcorp); PubMed 23758643 (cited by Labcorp Genetics (formerly Invitae), Labcorp); PubMed 25788518 (cited by Labcorp Genetics (formerly Invitae), Labcorp).